The following is an entry in ClinVar:

NM_015015.3(KDM4B):c.51G>A (p.Thr17=)

Gene: KDM4B (lysine demethylase 4B; plus strand). Cytogenetic location: 19p13.3.
Variant type: single nucleotide variant.
Coding change: c.51G>A on transcript NM_015015.3 (MANE Select); coding-DNA position 51, G replaced by A.
Protein change: p.Thr17=; no amino-acid change (threonine 17 retained).
Molecular consequence: synonymous variant.
Genome position (GRCh38, 1-based): chr19:5,032,941, G>A. VCF-style: chr19-5032941-G-A. GRCh37 (hg19) VCF-style: chr19-5032952-G-A.
Other names: c.51G>A, p.Thr17= (NM_001370093.1, NM_001370094.1, NM_001411148.1).
Identifiers: ClinVar variation 2649084 (VCV002649084.24), dbSNP rs1181437406, ClinGen allele CA505047705.

ClinVar aggregate classification (germline): Likely benign (1 of 4 stars; one submission).

Allele frequency attached by ClinVar (database versions not stated): gnomAD 0.00001; TOPMed 0.00002.
gnomAD v4.1: 62 of 1,614,032 alleles (0.0038%); highest among the groups gnomAD compares: Non-Finnish European, 0.0049%; no homozygotes.

Submission:

CeGaT Center for Human Genetics Tuebingen
Classification: Likely benign. Last evaluated: 2023-02-01. Review status: criteria provided, single submitter. Criteria: CeGaT Center For Human Genetics Tuebingen Variant Classification Criteria Version 2. Collection method: clinical testing. Allele origin: germline. Affected: yes. Observed: 1 variant allele.
Comment: KDM4B: BP4, BP7